The following is an entry in ClinVar:

ClinVar aggregate classification (germline): Uncertain significance (1 of 4 stars; one submission).

Conditions:
X-linked agammaglobulinemia with growth hormone deficiency (IGHD3). Also called: Isolated growth hormone deficiency type 3; Growth hormone deficiency with hypogammaglobulinemia; ISOLATED GROWTH HORMONE DEFICIENCY, TYPE III, WITH AGAMMAGLOBULINEMIA; AGAMMAGLOBULINEMIA AND ISOLATED GROWTH HORMONE DEFICIENCY, X-LINKED; FLEISHER SYNDROME; HYPOGAMMAGLOBULINEMIA AND ISOLATED GROWTH HORMONE DEFICIENCY, X-LINKED. Identifiers: Orphanet 231692, Orphanet 631, MedGen C0472813, MONDO:0010615, OMIM 307200.

Submission:

Labcorp Genetics (formerly Invitae), Labcorp
Classification: Uncertain significance for X-linked agammaglobulinemia with growth hormone deficiency. Last evaluated: 2024-07-21. Review status: criteria provided, single submitter. Criteria: Invitae Variant Classification Sherloc (09022015). Collection method: clinical testing. Allele origin: germline.
Comment: This sequence change replaces isoleucine, which is neutral and non-polar, with asparagine, which is neutral and polar, at codon 432 of the BTK protein (p.Ile432Asn). This variant is not present in population databases (gnomAD no frequency). This variant has not been reported in the literature in individuals affected with BTK-related conditions. Advanced modeling of protein sequence and biophysical properties (such as structural, functional, and spatial information, amino acid conservation, physicochemical variation, residue mobility, and thermodynamic stability) performed at Invitae indicates that this missense variant is expected to disrupt BTK protein function with a positive predictive value of 80%. In summary, the available evidence is currently insufficient to determine the role of this variant in disease. Therefore, it has been classified as a Variant of Uncertain Significance.

NM_000061.3(BTK):c.1295T>A (p.Ile432Asn)

Gene: BTK (Bruton tyrosine kinase; minus strand). Cytogenetic location: Xq22.1.
Variant type: single nucleotide variant.
Coding change: c.1295T>A on transcript NM_000061.3 (MANE Select); coding-DNA position 1295, T replaced by A.
Protein change: p.Ile432Asn; replaces isoleucine 432 with asparagine.
Molecular consequence: missense variant. On other transcripts: intron variant (1).
Genome position (GRCh38, 1-based): chrX:101,356,838, A>T on the plus strand (T>A on the coding strand, the complement: BTK is on the minus strand). VCF-style: chrX-101356838-A-T. GRCh37 (hg19) VCF-style: chrX-100611826-A-T.
Other names: c.1397T>A, p.Ile466Asn (NM_001287344.2); c.1038+1536T>A (NM_001287345.2); short protein forms I432N, I466N.
Identifiers: ClinVar variation 3659460 (VCV003659460.2).